The following is an entry in ClinVar:

ClinVar aggregate classification (germline): Uncertain significance (1 of 4 stars; one submission).

Submission:

Labcorp Genetics (formerly Invitae), Labcorp
Classification: Uncertain significance. Last evaluated: 2023-07-07. Review status: criteria provided, single submitter. Criteria: Invitae Variant Classification Sherloc (09022015). Collection method: clinical testing. Allele origin: germline.
Comment: This variant, c.107_148del, results in the deletion of 14 amino acid(s) of the FBXO11 protein (p.Pro36_Pro49del), but otherwise preserves the integrity of the reading frame. This variant is not present in population databases (gnomAD no frequency). This variant has not been reported in the literature in individuals affected with FBXO11-related conditions. Experimental studies and prediction algorithms are not available or were not evaluated, and the functional significance of this variant is currently unknown. In summary, the available evidence is currently insufficient to determine the role of this variant in disease. Therefore, it has been classified as a Variant of Uncertain Significance.

NM_001190274.2(FBXO11):c.107_148del (p.Pro36_Pro49del)

Genes: FBXO11 (F-box protein 11; minus strand), LOC100506235 (uncharacterized LOC100506235; plus strand). Cytogenetic location: 2p16.3.
Variant type: Deletion.
Coding change: c.107_148del on transcript NM_001190274.2 (MANE Select); coding-DNA positions 107 to 148, 42 bases deleted.
Protein change: p.Pro36_Pro49del.
Molecular consequence: non-coding transcript variant (on NR_187636.1).
Genome position (GRCh38, 1-based): chr2:47,905,573-47,905,614, 42 bases deleted; deleting any 42 consecutive bases within chr2:47,905,573-47,905,619 gives the same sequence; the c. name uses the placement nearest the transcript's 3' end. GRCh37 (hg19): chr2:48,132,717-48,132,758.
Identifiers: ClinVar variation 2809789 (VCV002809789.3), dbSNP rs2528153315, ClinGen allele CA2658974983.